The following is an entry in ClinVar:

ClinVar aggregate classification (germline): Uncertain significance (1 of 4 stars; one submission).

Submission:

GeneDx
Classification: Uncertain significance. Last evaluated: 2024-12-21. Review status: criteria provided, single submitter. Criteria: GeneDx Variant Classification Process June 2021. Collection method: clinical testing. Allele origin: germline. Affected: yes.
Comment: Not observed at significant frequency in large population cohorts (gnomAD); Nonsense variant predicted to result in protein truncation as the last 268 amino acids are lost; Has not been previously published as pathogenic or benign to our knowledge

NM_001282534.2(KCNK9):c.319A>T (p.Lys107Ter)

Gene: KCNK9 (potassium two pore domain channel subfamily K member 9; minus strand). Cytogenetic location: 8q24.3.
Variant type: single nucleotide variant.
Coding change: c.319A>T on transcript NM_001282534.2 (MANE Select); coding-DNA position 319, A replaced by T.
Protein change: p.Lys107Ter; replaces lysine 107 with a stop codon.
Molecular consequence: nonsense. On other transcripts: non-coding transcript variant (1).
Genome position (GRCh38, 1-based): chr8:139,619,064, T>A on the plus strand (A>T on the coding strand, the complement: KCNK9 is on the minus strand). VCF-style: chr8-139619064-T-A. GRCh37 (hg19) VCF-style: chr8-140631307-T-A.
Other names: short protein forms K107*.
Identifiers: ClinVar variation 3906382 (VCV003906382.1).